The following is an entry in ClinVar:

NM_001267550.2(TTN):c.77540C>T (p.Thr25847Ile)

Genes: TTN-AS1 (TTN antisense RNA 1; plus strand), TTN (titin; minus strand). Cytogenetic location: 2q31.2.
Variant type: single nucleotide variant.
Coding change: c.77540C>T on transcript NM_001267550.2 (MANE Select); coding-DNA position 77540, C replaced by T.
Protein change: p.Thr25847Ile; replaces threonine 25847 with isoleucine.
Molecular consequence: missense variant.
Genome position (GRCh38, 1-based): chr2:178,568,592, G>A on the plus strand (C>T on the coding strand, the complement: TTN is on the minus strand). VCF-style: chr2-178568592-G-A. GRCh37 (hg19) VCF-style: chr2-179433319-G-A.
Other names: c.72617C>T, p.Thr24206Ile (NM_001256850.1); c.50345C>T, p.Thr16782Ile (NM_003319.4); c.69836C>T, p.Thr23279Ile (NM_133378.4); c.50720C>T, p.Thr16907Ile (NM_133432.3); c.50921C>T, p.Thr16974Ile (NM_133437.4); short protein forms T25847I, T16782I, T23279I, T16907I, T16974I, T24206I.
Identifiers: ClinVar variation 467504 (VCV000467504.4), dbSNP rs917984063, ClinGen allele CA60992829.

ClinVar aggregate classification (germline): Uncertain significance. Review status: criteria provided, multiple submitters, no conflicts (2 of 4 stars). 2 submissions from 2 submitters: Uncertain significance (2). Last evaluated 2022-10-06.

Conditions:
Autosomal recessive limb-girdle muscular dystrophy type 2J (LGMDR10). Also called: Limb-girdle muscular dystrophy, type 2J; MUSCULAR DYSTROPHY, LIMB-GIRDLE, AUTOSOMAL RECESSIVE 10. Identifiers: Orphanet 140922, MedGen C1837342, MONDO:0012127, OMIM 608807.
Dilated cardiomyopathy 1G (CMD1G). Identifiers: Orphanet 154, MedGen C1858763, MONDO:0011400, OMIM 604145.

Allele frequency attached by ClinVar (database versions not stated): gnomAD 0.00001; gnomAD exomes 0.00001; TOPMed 0.00001.
gnomAD v4.1: 14 of 1,613,294 alleles (0.00087%); highest among the groups gnomAD compares: East Asian, 0.0022%; no homozygotes.

Submissions (2):

Laboratorio de Genetica e Diagnostico Molecular, Hospital Israelita Albert Einstein
Classification: Uncertain significance for Autosomal recessive limb-girdle muscular dystrophy type 2J. Last evaluated: 2022-10-06. Review status: criteria provided, single submitter. Criteria: ACMG Guidelines, 2015. Collection method: clinical testing. Allele origin: germline. Affected: yes. Observed: 1 variant allele.
Comment: ACMG classification criteria: PM2 moderated, BP4 supporting

Labcorp Genetics (formerly Invitae), Labcorp
Classification: Uncertain significance for Dilated cardiomyopathy 1G; Autosomal recessive limb-girdle muscular dystrophy type 2J. Last evaluated: 2017-05-26. Review status: criteria provided, single submitter. Criteria: Invitae Variant Classification Sherloc (09022015). Collection method: clinical testing. Allele origin: germline.